The following is an entry in ClinVar:

NM_000532.5(PCCB):c.590T>C (p.Met197Thr)

Gene: PCCB (propionyl-CoA carboxylase subunit beta; plus strand). Cytogenetic location: 3q22.3.
Variant type: single nucleotide variant.
Coding change: c.590T>C on transcript NM_000532.5 (MANE Select); coding-DNA position 590, T replaced by C.
Protein change: p.Met197Thr; replaces methionine 197 with threonine.
Molecular consequence: missense variant.
Genome position (GRCh38, 1-based): chr3:136,283,883, T>C. VCF-style: chr3-136283883-T-C. GRCh37 (hg19) VCF-style: chr3-136002725-T-C.
Other names: c.590T>C (NM_000532.4); c.650T>C, p.Met217Thr (NM_001178014.2); short protein forms M197T, M217T.
Identifiers: ClinVar variation 2057699 (VCV002057699.4), dbSNP rs758292780, ClinGen allele CA2631789.

ClinVar aggregate classification (germline): Uncertain significance. Review status: criteria provided, multiple submitters, no conflicts (2 of 4 stars). 3 submissions from 3 submitters: Uncertain significance (3). Last evaluated 2026-01-12.

Conditions:
Inborn genetic diseases. Identifiers: MedGen C0950123, MeSH D030342.
Propionic acidemia (PROP). Also called: GLYCINEMIA, KETOTIC; HYPERGLYCINEMIA WITH KETOACIDOSIS AND LEUKOPENIA; KETOTIC HYPERGLYCINEMIA. Identifiers: Orphanet 35, MedGen C0268579, MONDO:0011628, OMIM 606054, HP:0003571.

Allele frequency attached by ClinVar (database versions not stated): gnomAD 0.00001; TOPMed 0.00001; gnomAD exomes 0.00002; ExAC 0.00003.

Submissions (3):

Labcorp Genetics (formerly Invitae), Labcorp
Classification: Uncertain significance for Propionic acidemia. Last evaluated: 2026-01-12. Review status: criteria provided, single submitter. Criteria: Invitae Variant Classification Sherloc (09022015). Collection method: clinical testing. Allele origin: germline.
Comment: This sequence change replaces methionine, which is neutral and non-polar, with threonine, which is neutral and polar, at codon 197 of the PCCB protein (p.Met197Thr). This variant is present in population databases (rs758292780, gnomAD 0.004%). This variant has not been reported in the literature in individuals affected with PCCB-related conditions. ClinVar contains an entry for this variant (Variation ID: 2057699). Invitae Evidence Modeling of protein sequence and biophysical properties (such as structural, functional, and spatial information, amino acid conservation, physicochemical variation, residue mobility, and thermodynamic stability) has been performed for this missense variant. However, the output from this modeling did not meet the statistical confidence thresholds required to predict the impact of this variant on PCCB protein function. In summary, the available evidence is currently insufficient to determine the role of this variant in disease. Therefore, it has been classified as a Variant of Uncertain Significance.

Ambry Genetics
Classification: Uncertain significance for Inborn genetic diseases. Last evaluated: 2024-08-20. Review status: criteria provided, single submitter. Criteria: Ambry Variant Classification Scheme 2023. Collection method: clinical testing. Allele origin: germline.

Blueprint Genetics
Classification: Uncertain significance. Last evaluated: 2020-09-25. Review status: criteria provided, single submitter. Criteria: ACMG Guidelines, 2015. Collection method: clinical testing. Allele origin: germline.